The following is an entry in ClinVar:

NM_001374736.1(DST):c.16477C>T (p.Arg5493Cys)

Gene: DST (dystonin; minus strand). Cytogenetic location: 6p12.1.
Variant type: single nucleotide variant.
Coding change: c.16477C>T on transcript NM_001374736.1 (MANE Select); coding-DNA position 16477, C replaced by T.
Protein change: p.Arg5493Cys; replaces arginine 5493 with cysteine.
Molecular consequence: missense variant.
Genome position (GRCh38, 1-based): chr6:56,552,315, G>A on the plus strand (C>T on the coding strand, the complement: DST is on the minus strand). VCF-style: chr6-56552315-G-A. GRCh37 (hg19) VCF-style: chr6-56417113-G-A.
Other names: c.10120C>T, p.Arg3374Cys (NM_001144769.5); c.9706C>T, p.Arg3236Cys (NM_001144770.2); c.16477C>T, p.Arg5493Cys (NM_001374722.1); c.15844C>T, p.Arg5282Cys (NM_001374729.1); c.9586C>T, p.Arg3196Cys (NM_001374730.1, NM_183380.4); c.16504C>T, p.Arg5502Cys (NM_001374734.1); c.8608C>T, p.Arg2870Cys (NM_015548.5); short protein forms R5282C, R2870C, R3196C, R3374C, R5493C, R3236C, R5502C.
Identifiers: ClinVar variation 967931 (VCV000967931.9), dbSNP rs186499004, ClinGen allele CA3867678.
Genomic context (GRCh38, chr6:56,552,315, plus strand): 5'-CTTCGGCTTTCTGGAGCAGAATAGAAAATTCTTTCAATTTGCTGTAAAATTCTTCAAGGC[G>A]CTTAATTGTCCCTTCAACCTGCTCTTCTCTGGCTTGGGCTCGGTCCAGTAACTTGTTGCA-3'
Protein context (NP_001361665.1, residues 5483-5503): REEQVEGTIK[Arg5493Cys]LEEFYSKLKE

ClinVar aggregate classification (germline): Uncertain significance. Review status: criteria provided, multiple submitters, no conflicts (2 of 4 stars). 3 submissions from 3 submitters: Uncertain significance (3). Last evaluated 2023-11-19.

Conditions:
Hereditary sensory and autonomic neuropathy type 6. Also called: Neuropathy, hereditary sensory and autonomic, type VI; HSAN VI. Identifiers: Orphanet 314381, MedGen C3539003, MONDO:0013839, OMIM 614653.
Epidermolysis bullosa simplex 3, localized or generalized intermediate, with BP230 deficiency (EBS3). Also called: Epidermolysis bullosa simplex, autosomal recessive 2; Epidermolysis bullosa simplex due to BP230 deficiency. Identifiers: Orphanet 412181, MedGen C3809470, MONDO:0014180, OMIM 615425.
Inborn genetic diseases. Identifiers: MedGen C0950123, MeSH D030342.

Allele frequency attached by ClinVar (database versions not stated): gnomAD 0.00006 and 0.00007; TOPMed 0.00008; ExAC 0.00009; gnomAD exomes 0.00009 and 0.00013.
gnomAD v4.1: 211 of 1,613,816 alleles (0.013%); highest among the groups gnomAD compares: Middle Eastern, 0.016%; no homozygotes.

Submissions (3):

Labcorp Genetics (formerly Invitae), Labcorp
Classification: Uncertain significance for Epidermolysis bullosa simplex 3, localized or generalized intermediate, with BP230 deficiency; Hereditary sensory and autonomic neuropathy type 6. Last evaluated: 2023-11-19. Review status: criteria provided, single submitter. Criteria: Invitae Variant Classification Sherloc (09022015). Collection method: clinical testing. Allele origin: germline.
Comment: The DST gene has multiple clinically relevant transcripts. This variant occurs in alternate transcript NM_015548.4, and corresponds to NM_001723.5:c.*63202C>T in the primary transcript. This sequence change replaces arginine, which is basic and polar, with cysteine, which is neutral and slightly polar, at codon 2870 of the DST protein (p.Arg2870Cys). This variant is present in population databases (rs186499004, gnomAD 0.02%). This variant has not been reported in the literature in individuals affected with DST-related conditions. ClinVar contains an entry for this variant (Variation ID: 967931). Experimental studies and prediction algorithms are not available or were not evaluated, and the functional significance of this variant is currently unknown. In summary, the available evidence is currently insufficient to determine the role of this variant in disease. Therefore, it has been classified as a Variant of Uncertain Significance.

Ambry Genetics
Classification: Uncertain significance for Inborn genetic diseases. Last evaluated: 2022-10-21. Review status: criteria provided, single submitter. Criteria: Ambry Variant Classification Scheme 2023. Collection method: clinical testing. Allele origin: germline.

Department of Pathology and Laboratory Medicine, Sinai Health System
Classification: Uncertain significance for hereditary sensory and autonomic neuropathy type 6. Last evaluated: 2021-10-21. Review status: criteria provided, single submitter. Criteria: ACMG Guidelines, 2015. Collection method: research. Allele origin: germline.